The following is an entry in ClinVar:

ClinVar aggregate classification (germline): Uncertain significance (1 of 4 stars; one submission).

Conditions:
Early-infantile DEE. Also called: Ohtahara syndrome; Early infantile epileptic encephalopathy with suppression bursts; Early infantile epileptic encephalopathy. Identifiers: Orphanet 1934, MedGen C0393706, MONDO:0800491.

Submission:

Labcorp Genetics (formerly Invitae), Labcorp
Classification: Uncertain significance for Early-infantile DEE. Last evaluated: 2024-05-15. Review status: criteria provided, single submitter. Criteria: Invitae Variant Classification Sherloc (09022015). Collection method: clinical testing. Allele origin: germline.
Comment: This sequence change falls in intron 20 of the SCN1A gene. It does not directly change the encoded amino acid sequence of the SCN1A protein. However, this sequence change falls within a region encompassing a cryptic exon in the SCN1A gene, in which variants have been shown to alter splicing (PMID: 30526861, 34107977). This variant is not present in population databases (gnomAD no frequency). This variant has not been reported in the literature in individuals affected with SCN1A-related conditions. ClinVar contains an entry for this variant (Variation ID: 1430719). Algorithms developed to predict the effect of sequence changes on RNA splicing suggest that this variant is not likely to affect RNA splicing. In summary, the available evidence is currently insufficient to determine the role of this variant in disease. Therefore, it has been classified as a Variant of Uncertain Significance.

Literature cited by the submitters: PubMed 30526861; PubMed 34107977.

NM_001165963.4(SCN1A):c.4002+2272C>G

Genes: SCN1A (sodium voltage-gated channel alpha subunit 1; minus strand), LOC102724058 (uncharacterized LOC102724058; plus strand). Cytogenetic location: 2q24.3.
Variant type: single nucleotide variant.
Coding change: c.4002+2272C>G on transcript NM_001165963.4 (MANE Select); 2272 bases into the intron after coding-DNA position 4002, C replaced by G.
Molecular consequence: intron variant.
Genome position (GRCh38, 1-based): chr2:166,007,447, G>C on the plus strand (C>G on the coding strand, the complement: SCN1A is on the minus strand). VCF-style: chr2-166007447-G-C. GRCh37 (hg19) VCF-style: chr2-166863957-G-C.
Other names: c.3969+2272C>G (NM_001353949.2, NM_001353950.2, NM_001353951.2 and 2 more transcripts); c.3918+2272C>G (NM_001353958.2, NM_001353957.2, NM_001165964.3); c.4002+2272C>G (NM_001202435.3, NM_001353948.2); c.3966+2272C>G (NM_001353955.2, NM_001353954.2); c.3915+2272C>G (NM_001353960.2); c.1560+2272C>G (NM_001353961.2).
Identifiers: ClinVar variation 1430719 (VCV001430719.9), dbSNP rs2105548669, ClinGen allele CA2573133065.
Genomic context (GRCh38, chr2:166,007,447, plus strand): 5'-TGTTTCCCTATCCATTAAGACTTGAGTTCTTTTGAAAAAGAAGGTATTTAAGATTTCCTA[G>C]GTTAGGAAATTAAAAATACAAATTTAAACACAAATTTTATTTTACCCTAGATATTCACGA-3'